The following is an entry in ClinVar:

NM_015978.3(TNNI3K):c.1574T>G (p.Val525Gly)

Genes: FPGT-TNNI3K (FPGT-TNNI3K readthrough; plus strand), TNNI3K (TNNI3 interacting kinase; plus strand). Cytogenetic location: 1p31.1.
Variant type: single nucleotide variant.
Coding change: c.1574T>G on transcript NM_015978.3 (MANE Select); coding-DNA position 1574, T replaced by G.
Protein change: p.Val525Gly; replaces valine 525 with glycine.
Molecular consequence: missense variant.
Genome position (GRCh38, 1-based): chr1:74,369,492, T>G. VCF-style: chr1-74369492-T-G. GRCh37 (hg19) VCF-style: chr1-74835176-T-G.
Other names: c.1877T>G, p.Val626Gly (NM_001112808.3, NM_001199327.2); short protein forms V525G, V626G.
Identifiers: ClinVar variation 2004276 (VCV002004276.4), dbSNP rs1265741157, ClinGen allele CA340786272.

ClinVar aggregate classification (germline): Uncertain significance (1 of 4 stars; one submission).

Submission:

Labcorp Genetics (formerly Invitae), Labcorp
Classification: Uncertain significance. Last evaluated: 2022-06-10. Review status: criteria provided, single submitter. Criteria: Invitae Variant Classification Sherloc (09022015). Collection method: clinical testing. Allele origin: germline.
Comment: This variant has not been reported in the literature in individuals affected with TNNI3K-related conditions. In summary, the available evidence is currently insufficient to determine the role of this variant in disease. Therefore, it has been classified as a Variant of Uncertain Significance. Algorithms developed to predict the effect of missense changes on protein structure and function (SIFT, PolyPhen-2, Align-GVGD) all suggest that this variant is likely to be disruptive. This variant is not present in population databases (gnomAD no frequency). This sequence change replaces valine, which is neutral and non-polar, with glycine, which is neutral and non-polar, at codon 525 of the TNNI3K protein (p.Val525Gly).